The following is an entry in ClinVar:

NM_024312.5(GNPTAB):c.1903A>C (p.Thr635Pro)

Gene: GNPTAB (N-acetylglucosamine-1-phosphate transferase subunits alpha and beta; minus strand). Cytogenetic location: 12q23.2.
Variant type: single nucleotide variant.
Coding change: c.1903A>C on transcript NM_024312.5 (MANE Select); coding-DNA position 1903, A replaced by C.
Protein change: p.Thr635Pro; replaces threonine 635 with proline.
Molecular consequence: missense variant.
Genome position (GRCh38, 1-based): chr12:101,765,014, T>G on the plus strand (A>C on the coding strand, the complement: GNPTAB is on the minus strand). VCF-style: chr12-101765014-T-G. GRCh37 (hg19) VCF-style: chr12-102158792-T-G.
Other names: c.1903A>C (NM_024312.4); short protein forms T635P.
Identifiers: ClinVar variation 2147237 (VCV002147237.2), dbSNP rs775724815, ClinGen allele CA6746508.

ClinVar aggregate classification (germline): Uncertain significance. Review status: criteria provided, multiple submitters, no conflicts (2 of 4 stars). 2 submissions from 2 submitters: Uncertain significance (2). Last evaluated 2025-01-01.

Conditions:
Inborn genetic diseases. Identifiers: MedGen C0950123, MeSH D030342.
Mucolipidosis type II. Also called: Mucolipidosis 2; ML 2; Inclusion cell disease; Leroy Disease; N-acetylglucosamine 1phosphotransferase deficiency; ML disorder type 2. Identifiers: Orphanet 576, MedGen C2673377, MONDO:0009650, OMIM 252500.
Pseudo-Hurler polydystrophy. Also called: ML IIIA; Mucolipidosis III Alpha/Beta; MUCOLIPIDOSIS IIIA; ML III; ML III ALPHA/BETA; Type III Mucolipidosis. Identifiers: Orphanet 423461, Orphanet 577, MedGen C0033788, MONDO:0018931, OMIM 252600.

Allele frequency attached by ClinVar (database versions not stated): gnomAD exomes below 0.00001; ExAC 0.00002.
gnomAD v4.1: 8 of 1,614,228 alleles (0.0005%); highest among the groups gnomAD compares: Non-Finnish European, 0.00059%; no homozygotes.

Submissions (2):

Ambry Genetics
Classification: Uncertain significance for Inborn genetic diseases. Last evaluated: 2025-01-01. Review status: criteria provided, single submitter. Criteria: Ambry Variant Classification Scheme 2023. Collection method: clinical testing. Allele origin: germline.

Labcorp Genetics (formerly Invitae), Labcorp
Classification: Uncertain significance for Pseudo-Hurler polydystrophy; Mucolipidosis type II. Last evaluated: 2022-03-15. Review status: criteria provided, single submitter. Criteria: Invitae Variant Classification Sherloc (09022015). Collection method: clinical testing. Allele origin: germline.
Comment: This sequence change replaces threonine, which is neutral and polar, with proline, which is neutral and non-polar, at codon 635 of the GNPTAB protein (p.Thr635Pro). This variant is present in population databases (rs775724815, gnomAD 0.003%). This variant has not been reported in the literature in individuals affected with GNPTAB-related conditions. Algorithms developed to predict the effect of missense changes on protein structure and function are either unavailable or do not agree on the potential impact of this missense change (SIFT: "Tolerated"; PolyPhen-2: "Probably Damaging"; Align-GVGD: "Class C0"). In summary, the available evidence is currently insufficient to determine the role of this variant in disease. Therefore, it has been classified as a Variant of Uncertain Significance.